The following is an entry in ClinVar:

ClinVar aggregate classification (germline): Uncertain significance (1 of 4 stars; one submission).

Conditions:
Hereditary cancer-predisposing syndrome. Also called: Hereditary Cancer Syndrome; Hereditary neoplastic syndrome; Tumor predisposition; Neoplastic Syndromes, Hereditary. Identifiers: Orphanet 140162, MedGen C0027672, MeSH D009386, MONDO:0015356.
Cardiovascular phenotype. Identifiers: MedGen CN230736.

Submission:

Ambry Genetics
Classification: Uncertain significance for Cardiovascular phenotype; Hereditary cancer-predisposing syndrome. Last evaluated: 2024-11-27. Review status: criteria provided, single submitter. Criteria: Ambry Variant Classification Scheme 2023. Collection method: clinical testing. Allele origin: germline.
Comment: The c.320+5G>T intronic variant results from a G to T substitution 5 nucleotides after coding exon 3 in the LZTR1 gene. This nucleotide position is highly conserved in available vertebrate species. In silico splice site analysis predicts that this alteration will weaken the native splice donor site. Based on the available evidence, the clinical significance of this variant remains unclear.

NM_006767.4(LZTR1):c.320+5G>T

Gene: LZTR1 (leucine zipper like post translational regulator 1; plus strand). Cytogenetic location: 22q11.21.
Variant type: single nucleotide variant.
Coding change: c.320+5G>T on transcript NM_006767.4 (MANE Select); 5 bases into the intron after coding-DNA position 320, G replaced by T.
Molecular consequence: intron variant.
Genome position (GRCh38, 1-based): chr22:20,985,902, G>T. VCF-style: chr22-20985902-G-T. GRCh37 (hg19) VCF-style: chr22-21340191-G-T.
Identifiers: ClinVar variation 3541692 (VCV003541692.1).